The following is an entry in ClinVar:

ClinVar aggregate classification (germline): Uncertain significance (1 of 4 stars; one submission).

Submission:

GeneDx
Classification: Uncertain significance. Last evaluated: 2026-03-25. Review status: criteria provided, single submitter. Criteria: GeneDx Variant Classification Process June 2021. Collection method: clinical testing. Allele origin: germline.
Comment: Not observed at significant frequency in large population cohorts (gnomAD); In silico analysis supports that this missense variant has a deleterious effect on protein structure/function; Missense variants in this gene are a common cause of disease and they are underrepresented in the general population; Has not been previously published as pathogenic or benign to our knowledge

NM_004333.6(BRAF):c.1127C>G (p.Pro376Arg)

Genes: BRAF (B-Raf proto-oncogene, serine/threonine kinase; minus strand), LOC126860202 (BRD4-independent group 4 enhancer GRCh37_chr7:140493623-140494822; plus strand). Cytogenetic location: 7q34.
Variant type: single nucleotide variant.
Coding change: c.1127C>G on transcript NM_004333.6 (MANE Select); coding-DNA position 1127, C replaced by G.
Protein change: p.Pro376Arg; replaces proline 376 with arginine.
Molecular consequence: missense variant.
Genome position (GRCh38, 1-based): chr7:140,794,321, G>C on the plus strand (C>G on the coding strand, the complement: BRAF is on the minus strand). VCF-style: chr7-140794321-G-C. GRCh37 (hg19) VCF-style: chr7-140494121-G-C.
Other names: c.1127C>G, p.Pro376Arg (NM_001354609.2, NM_001374244.1, NM_001374258.1 and 4 more transcripts); c.1136C>G, p.Pro379Arg (NM_001378467.1); c.1025C>G, p.Pro342Arg (NM_001378470.1); c.971C>G, p.Pro324Arg (NM_001378472.1, NM_001378473.1); c.863C>G, p.Pro288Arg (NM_001378475.1); short protein forms P288R, P324R, P342R, P376R, P379R.
Identifiers: ClinVar variation 4528100 (VCV004528100.2).